The following is an entry in ClinVar:

NM_015650.4(TRAF3IP1):c.56G>T (p.Arg19Met)

Gene: TRAF3IP1 (TRAF3 interacting protein 1; plus strand). Cytogenetic location: 2q37.3.
Variant type: single nucleotide variant.
Coding change: c.56G>T on transcript NM_015650.4 (MANE Select); coding-DNA position 56, G replaced by T.
Protein change: p.Arg19Met; replaces arginine 19 with methionine.
Molecular consequence: missense variant.
Genome position (GRCh38, 1-based): chr2:238,320,718, G>T. VCF-style: chr2-238320718-G-T. GRCh37 (hg19) VCF-style: chr2-239229359-G-T.
Other names: c.56G>T, p.Arg19Met (NM_001139490.1); short protein forms R19M.
Identifiers: ClinVar variation 1364691 (VCV001364691.8), dbSNP rs1277049217, ClinGen allele CA351239816.

ClinVar aggregate classification (germline): Uncertain significance (1 of 4 stars; one submission).

Submission:

Labcorp Genetics (formerly Invitae), Labcorp
Classification: Uncertain significance. Last evaluated: 2021-07-17. Review status: criteria provided, single submitter. Criteria: Invitae Variant Classification Sherloc (09022015). Collection method: clinical testing. Allele origin: germline.
Comment: This variant has not been reported in the literature in individuals affected with TRAF3IP1-related conditions. In summary, the available evidence is currently insufficient to determine the role of this variant in disease. Therefore, it has been classified as a Variant of Uncertain Significance. Algorithms developed to predict the effect of missense changes on protein structure and function are either unavailable or do not agree on the potential impact of this missense change (SIFT: "Deleterious"; PolyPhen-2: "Benign"; Align-GVGD: "Class C35"). The frequency data for this variant in the population databases is considered unreliable, as metrics indicate insufficient coverage at this position in the ExAC database. This sequence change replaces arginine with methionine at codon 19 of the TRAF3IP1 protein (p.Arg19Met). The arginine residue is moderately conserved and there is a moderate physicochemical difference between arginine and methionine.